The following is an entry in ClinVar:

ClinVar aggregate classification (germline): Uncertain significance (1 of 4 stars; one submission).

Conditions:
Multiple congenital anomalies-hypotonia-seizures syndrome 1 (MCAHS1). Also called: GLYCOSYLPHOSPHATIDYLINOSITOL BIOSYNTHESIS DEFECT 3; PIGN-CDG; Congenital disorder of glycosylation due to PIGN deficiency. Identifiers: Orphanet 280633, MedGen C3279775, MONDO:0013563, OMIM 614080.

Allele frequency attached by ClinVar (database versions not stated): gnomAD exomes 0.00001; TOPMed 0.00001.
gnomAD v4.1: 14 of 1,596,632 alleles (0.00088%); highest among the groups gnomAD compares: Admixed American, 0.0017%; no homozygotes.

Submission:

Labcorp Genetics (formerly Invitae), Labcorp
Classification: Uncertain significance for Multiple congenital anomalies-hypotonia-seizures syndrome 1. Last evaluated: 2021-02-03. Review status: criteria provided, single submitter. Criteria: Invitae Variant Classification Sherloc (09022015). Collection method: clinical testing. Allele origin: germline.
Comment: This variant has not been reported in the literature in individuals with PIGN-related disease. In summary, the available evidence is currently insufficient to determine the role of this variant in disease. Therefore, it has been classified as a Variant of Uncertain Significance. Nucleotide substitutions within the consensus splice site are a relatively common cause of aberrant splicing (PMID: 17576681, 9536098). Algorithms developed to predict the effect of sequence changes on RNA splicing suggest that this variant is not likely to affect RNA splicing, but this prediction has not been confirmed by published transcriptional studies. This variant is not present in population databases (ExAC no frequency). This sequence change falls in intron 16 of the PIGN gene. It does not directly change the encoded amino acid sequence of the PIGN protein, but it affects a nucleotide within the consensus splice site of the intron.

Literature cited by the submitters: PubMed 17576681; PubMed 9536098.

NM_176787.5(PIGN):c.1434+4C>T

Gene: PIGN (phosphatidylinositol glycan anchor biosynthesis class N; minus strand). Cytogenetic location: 18q21.33.
Variant type: single nucleotide variant.
Coding change: c.1434+4C>T on transcript NM_176787.5 (MANE Select); 4 bases into the intron after coding-DNA position 1434, C replaced by T.
Molecular consequence: intron variant.
Genome position (GRCh38, 1-based): chr18:62,113,130, G>A on the plus strand (C>T on the coding strand, the complement: PIGN is on the minus strand). VCF-style: chr18-62113130-G-A. GRCh37 (hg19) VCF-style: chr18-59780363-G-A.
Other names: c.1434+4C>T (NM_012327.6).
Identifiers: ClinVar variation 1386937 (VCV001386937.4), dbSNP rs1451476667, ClinGen allele CA630397111.
Genomic context (GRCh38, chr18:62,113,130, plus strand): 5'-TACACTGGATTCAGTACTAGTGATTTTATACCATCATCTGAATCCTCACATTTTCTAAAC[G>A]TACCTTCACTTCTTTACTAACACCTTTTATAAGGTTGGAATGAGACTTGATGATCAACAA-3'